The following is an entry in ClinVar:

NM_005732.4(RAD50):c.385C>G (p.Leu129Val)

Gene: RAD50 (RAD50 double strand break repair protein; plus strand). Cytogenetic location: 5q31.1.
Variant type: single nucleotide variant.
Coding change: c.385C>G on transcript NM_005732.4 (MANE Select); coding-DNA position 385, C replaced by G.
Protein change: p.Leu129Val; replaces leucine 129 with valine.
Molecular consequence: missense variant.
Genome position (GRCh38, 1-based): chr5:132,579,336, C>G. VCF-style: chr5-132579336-C-G. GRCh37 (hg19) VCF-style: chr5-131915028-C-G.
Other names: short protein forms L129V.
Identifiers: ClinVar variation 408393 (VCV000408393.14), dbSNP rs1010374593, ClinGen allele CA16611744.

ClinVar aggregate classification (germline): Uncertain significance. Review status: criteria provided, multiple submitters, no conflicts (2 of 4 stars). 2 submissions from 2 submitters: Uncertain significance (2). Last evaluated 2025-11-10.

Conditions:
Hereditary cancer-predisposing syndrome. Also called: Hereditary Cancer Syndrome; Hereditary neoplastic syndrome; Neoplastic Syndromes, Hereditary; Tumor predisposition. Identifiers: Orphanet 140162, MedGen C0027672, MeSH D009386, MONDO:0015356.

Allele frequency attached by ClinVar (database versions not stated): gnomAD 0.00001; TOPMed 0.00001.
gnomAD v4.1: 2 of 1,613,754 alleles (0.00012%); highest among the groups gnomAD compares: Non-Finnish European, 0.00017%; no homozygotes.

Submissions (2):

Labcorp Genetics (formerly Invitae), Labcorp
Classification: Uncertain significance for Hereditary cancer-predisposing syndrome. Last evaluated: 2025-11-10. Review status: criteria provided, single submitter. Criteria: Invitae Variant Classification Sherloc (09022015). Collection method: clinical testing. Allele origin: germline.
Comment: This sequence change replaces leucine, which is neutral and non-polar, with valine, which is neutral and non-polar, at codon 129 of the RAD50 protein (p.Leu129Val). This variant is not present in population databases (gnomAD no frequency). This missense change has been observed in individual(s) with clinical features of RAD50-related conditions (PMID: 38127826). ClinVar contains an entry for this variant (Variation ID: 408393). Invitae Evidence Modeling of protein sequence and biophysical properties (such as structural, functional, and spatial information, amino acid conservation, physicochemical variation, residue mobility, and thermodynamic stability) indicates that this missense variant is not expected to disrupt RAD50 protein function with a negative predictive value of 80%. RNA analysis performed to evaluate the impact of this missense change on mRNA splicing indicates it does not significantly alter splicing (internal data). In summary, the available evidence is currently insufficient to determine the role of this variant in disease. Therefore, it has been classified as a Variant of Uncertain Significance.

Ambry Genetics
Classification: Uncertain significance for Hereditary cancer-predisposing syndrome. Last evaluated: 2022-08-31. Review status: criteria provided, single submitter. Criteria: Ambry Variant Classification Scheme 2023. Collection method: clinical testing. Allele origin: germline.
Comment: The p.L129V variant (also known as c.385C>G), located in coding exon 4 of the RAD50 gene, results from a C to G substitution at nucleotide position 385. The leucine at codon 129 is replaced by valine, an amino acid with highly similar properties. This amino acid position is well conserved in available vertebrate species. In addition, this alteration is predicted to be tolerated by in silico analysis. Since supporting evidence is limited at this time, the clinical significance of this alteration remains unclear.

Literature cited by the submitters: PubMed 38127826 (cited by Labcorp Genetics (formerly Invitae), Labcorp).